The following is an entry in ClinVar:

ClinVar aggregate classification (germline): Uncertain significance (1 of 4 stars; one submission).

Conditions:
Familial adenomatous polyposis 1 (FAP1). Also called: POLYPOSIS, ADENOMATOUS INTESTINAL; FAMILIAL ADENOMATOUS POLYPOSIS 1, ATTENUATED. Identifiers: MedGen C2713442, MONDO:0021056, OMIM 175100. Disease mechanism: loss of function.

Submission:

Labcorp Genetics (formerly Invitae), Labcorp
Classification: Uncertain significance for Familial adenomatous polyposis 1. Last evaluated: 2023-05-07. Review status: criteria provided, single submitter. Criteria: Invitae Variant Classification Sherloc (09022015). Collection method: clinical testing. Allele origin: germline.
Comment: This variant is not present in population databases (gnomAD no frequency). In summary, the available evidence is currently insufficient to determine the role of this variant in disease. Therefore, it has been classified as a Variant of Uncertain Significance. Advanced modeling of protein sequence and biophysical properties (such as structural, functional, and spatial information, amino acid conservation, physicochemical variation, residue mobility, and thermodynamic stability) performed at Invitae indicates that this missense variant is not expected to disrupt APC protein function. ClinVar contains an entry for this variant (Variation ID: 638969). This variant has not been reported in the literature in individuals affected with APC-related conditions. This sequence change replaces serine, which is neutral and polar, with glycine, which is neutral and non-polar, at codon 1696 of the APC protein (p.Ser1696Gly).

NM_000038.6(APC):c.5086A>G (p.Ser1696Gly)

Gene: APC (APC regulator of Wnt signaling pathway; plus strand). Cytogenetic location: 5q22.2.
Variant type: single nucleotide variant.
Coding change: c.5086A>G on transcript NM_000038.6 (MANE Select); coding-DNA position 5086, A replaced by G.
Protein change: p.Ser1696Gly; replaces serine 1696 with glycine.
Molecular consequence: missense variant.
Genome position (GRCh38, 1-based): chr5:112,840,680, A>G. VCF-style: chr5-112840680-A-G. GRCh37 (hg19) VCF-style: chr5-112176377-A-G.
Other names: c.5086A>G, p.Ser1696Gly (NM_001127510.3, NM_001354895.2); c.5032A>G, p.Ser1678Gly (NM_001127511.3); c.5140A>G, p.Ser1714Gly (NM_001354896.2); c.5116A>G, p.Ser1706Gly (NM_001354897.2); c.5011A>G, p.Ser1671Gly (NM_001354898.2); c.5002A>G, p.Ser1668Gly (NM_001354899.2); c.4963A>G, p.Ser1655Gly (NM_001354900.2); c.4909A>G, p.Ser1637Gly (NM_001354901.2); and 5 more; short protein forms S1413G, S1536G, S1605G, S1668G, S1706G, S1570G, S1714G, S1595G.
Identifiers: ClinVar variation 638969 (VCV000638969.10), dbSNP rs1580656083, ClinGen allele CA16032450.